The following is an entry in ClinVar:

ClinVar aggregate classification (germline): Conflicting classifications of pathogenicity. Review status: criteria provided, conflicting classifications (1 of 4 stars). 2 submissions from 2 submitters: Uncertain significance (1); Likely benign (1). Last evaluated 2025-12-27.

Conditions:
Very long chain acyl-CoA dehydrogenase deficiency (ACADVLD). Also called: VLCAD Deficiency; Very Long-Chain Acyl-Coenzyme A Dehydrogenase Deficiency. Identifiers: Orphanet 26793, MedGen C3887523, MONDO:0008723, OMIM 201475.

Allele frequency attached by ClinVar (database versions not stated): gnomAD 0.00001; gnomAD exomes 0.00001 and 0.00002; ExAC 0.00003; TOPMed 0.00003; ESP Exome Variant Server 0.00015.

Submissions (2):

Labcorp Genetics (formerly Invitae), Labcorp
Classification: Likely benign for Very long chain acyl-CoA dehydrogenase deficiency. Last evaluated: 2025-12-27. Review status: criteria provided, single submitter. Criteria: Invitae Variant Classification Sherloc (09022015). Collection method: clinical testing. Allele origin: germline.

Baylor Genetics
Classification: Uncertain significance for Very long chain acyl-CoA dehydrogenase deficiency. Last evaluated: 2018-02-08. Review status: criteria provided, single submitter. Criteria: ACMG Guidelines, 2015. Collection method: clinical testing. Allele origin: paternal. Affected: yes.
Comment: This variant was determined to be of uncertain significance according to ACMG Guidelines, 2015 [PMID:25741868].

NM_000018.4(ACADVL):c.342+18G>A

Gene: ACADVL (acyl-CoA dehydrogenase very long chain; plus strand). Cytogenetic location: 17p13.1.
Variant type: single nucleotide variant.
Coding change: c.342+18G>A on transcript NM_000018.4 (MANE Select); 18 bases into the intron after coding-DNA position 342, G replaced by A.
Molecular consequence: intron variant.
Genome position (GRCh38, 1-based): chr17:7,220,848, G>A. VCF-style: chr17-7220848-G-A. GRCh37 (hg19) VCF-style: chr17-7124167-G-A.
Other names: c.411+18G>A (NM_001270447.2); c.114+18G>A (NM_001270448.2); c.276+18G>A (NM_001033859.3).
Identifiers: ClinVar variation 1032138 (VCV001032138.6), dbSNP rs372594520, ClinGen allele CA8337662.